The following is an entry in ClinVar:

NM_003200.5(TCF3):c.652+5A>G

Gene: TCF3 (transcription factor 3; minus strand). Cytogenetic location: 19p13.3.
Variant type: single nucleotide variant.
Coding change: c.652+5A>G on transcript NM_003200.5 (MANE Select); 5 bases into the intron after coding-DNA position 652, A replaced by G.
Molecular consequence: intron variant.
Genome position (GRCh38, 1-based): chr19:1,622,308, T>C on the plus strand (A>G on the coding strand, the complement: TCF3 is on the minus strand). VCF-style: chr19-1622308-T-C. GRCh37 (hg19) VCF-style: chr19-1622307-T-C.
Other names: c.652+5A>G (NM_001351778.2, NM_001136139.4, NM_001351779.2).
Identifiers: ClinVar variation 3012362 (VCV003012362.4), dbSNP rs1192240781, ClinGen allele CA631302580.

ClinVar aggregate classification (germline): Uncertain significance. Review status: criteria provided, multiple submitters, no conflicts (2 of 4 stars). 2 submissions from 2 submitters: Uncertain significance (2). Last evaluated 2025-11-18.

Allele frequency attached by ClinVar (database versions not stated): gnomAD 0.00002; gnomAD exomes below 0.00001; TOPMed 0.00001.
gnomAD v4.1: 11 of 1,525,760 alleles (0.00072%); highest among the groups gnomAD compares: African/African-American, 0.0014%; no homozygotes.

Submissions (2):

Labcorp Genetics (formerly Invitae), Labcorp
Classification: Uncertain significance. Last evaluated: 2025-11-18. Review status: criteria provided, single submitter. Criteria: Invitae Variant Classification Sherloc (09022015). Collection method: clinical testing. Allele origin: germline.
Comment: This sequence change falls in intron 9 of the TCF3 gene. It does not directly change the encoded amino acid sequence of the TCF3 protein. It affects a nucleotide within the consensus splice site. The frequency data for this variant in the population databases is considered unreliable, as metrics indicate poor data quality at this position in the gnomAD database. This variant has not been reported in the literature in individuals affected with TCF3-related conditions. ClinVar contains an entry for this variant (Variation ID: 3012362). Variants that disrupt the consensus splice site are a relatively common cause of aberrant splicing (PMID: 17576681, 9536098). Algorithms developed to predict the effect of sequence changes on RNA splicing suggest that this variant is not likely to affect RNA splicing. In summary, the available evidence is currently insufficient to determine the role of this variant in disease. Therefore, it has been classified as a Variant of Uncertain Significance.

ARUP Laboratories, Molecular Genetics and Genomics, ARUP Laboratories
Classification: Uncertain significance. Last evaluated: 2024-11-23. Review status: criteria provided, single submitter. Criteria: ARUP Molecular Germline Variant Investigation Process 2024. Collection method: clinical testing. Allele origin: germline.
Comment: The TCF3 c.652+5A>G variant (rs1192240781), to our knowledge, is not reported in the medical literature but is reported in ClinVar (Variation ID: 3012362). This variant is only observed on two alleles in the Genome Aggregation Database (v2.1.1), indicating it is not a common polymorphism. This is an intronic variant and computational analyses (Alamut Visual Plus v.1.5.1) predict that this variant does not alter splicing. However, since this variant is located within the minimal splice region, the clinical significance of this variant is uncertain at this time.

Literature cited by the submitters: PubMed 17576681 (cited by Labcorp Genetics (formerly Invitae), Labcorp); PubMed 9536098 (cited by Labcorp Genetics (formerly Invitae), Labcorp).